The following is an entry in ClinVar:

ClinVar aggregate classification (germline): Uncertain significance (1 of 4 stars; one submission).

Conditions:
Brugada syndrome 8 (BRGDA8). Identifiers: Orphanet 130, MedGen C2751083, MONDO:0013148, OMIM 613123.

Allele frequency attached by ClinVar (database versions not stated): gnomAD exomes 0.00001.
gnomAD v4.1: 6 of 1,600,916 alleles (0.00037%); highest among the groups gnomAD compares: Admixed American, 0.0067%; no homozygotes.

Submission:

Labcorp Genetics (formerly Invitae), Labcorp
Classification: Uncertain significance for Brugada syndrome 8. Last evaluated: 2022-05-05. Review status: criteria provided, single submitter. Criteria: Invitae Variant Classification Sherloc (09022015). Collection method: clinical testing. Allele origin: germline.
Comment: This variant has not been reported in the literature in individuals affected with HCN4-related conditions. ClinVar contains an entry for this variant (Variation ID: 538088). Advanced modeling of protein sequence and biophysical properties (such as structural, functional, and spatial information, amino acid conservation, physicochemical variation, residue mobility, and thermodynamic stability) performed at Invitae indicates that this missense variant is not expected to disrupt HCN4 protein function. In summary, the available evidence is currently insufficient to determine the role of this variant in disease. Therefore, it has been classified as a Variant of Uncertain Significance. This variant is present in population databases (no rsID available, gnomAD 0.006%). This sequence change replaces isoleucine, which is neutral and non-polar, with leucine, which is neutral and non-polar, at codon 793 of the HCN4 protein (p.Ile793Leu).

NM_005477.3(HCN4):c.2377A>C (p.Ile793Leu)

Gene: HCN4 (hyperpolarization activated cyclic nucleotide gated potassium channel 4; minus strand). Cytogenetic location: 15q24.1.
Variant type: single nucleotide variant.
Coding change: c.2377A>C on transcript NM_005477.3 (MANE Select); coding-DNA position 2377, A replaced by C.
Protein change: p.Ile793Leu; replaces isoleucine 793 with leucine.
Molecular consequence: missense variant.
Genome position (GRCh38, 1-based): chr15:73,323,716, T>G on the plus strand (A>C on the coding strand, the complement: HCN4 is on the minus strand). VCF-style: chr15-73323716-T-G. GRCh37 (hg19) VCF-style: chr15-73616057-T-G.
Other names: short protein forms I793L.
Identifiers: ClinVar variation 538088 (VCV000538088.10), dbSNP rs1302650781, ClinGen allele CA393089012.